The following is an entry in ClinVar:

NM_000215.4(JAK3):c.1899C>T (p.Tyr633=)

Gene: JAK3 (Janus kinase 3; minus strand). Cytogenetic location: 19p13.11.
Variant type: single nucleotide variant.
Coding change: c.1899C>T on transcript NM_000215.4 (MANE Select); coding-DNA position 1899, C replaced by T.
Protein change: p.Tyr633=; no amino-acid change (tyrosine 633 retained).
Molecular consequence: synonymous variant.
Genome position (GRCh38, 1-based): chr19:17,835,939, G>A on the plus strand (C>T on the coding strand, the complement: JAK3 is on the minus strand). VCF-style: chr19-17835939-G-A. GRCh37 (hg19) VCF-style: chr19-17946748-G-A.
Identifiers: ClinVar variation 389294 (VCV000389294.10), dbSNP rs538081227, ClinGen allele CA9301738.

ClinVar aggregate classification (germline): Likely benign. Review status: criteria provided, multiple submitters, no conflicts (2 of 4 stars). 3 submissions from 3 submitters: Likely benign (3). Last evaluated 2025-06-09.

Conditions:
T-B+ severe combined immunodeficiency due to JAK3 deficiency. Also called: SCID, autosomal recessive, T-negative/B-positive type; SCID, T CELL-NEGATIVE, B CELL-POSITIVE, NK CELL-NEGATIVE. Identifiers: Orphanet 35078, MedGen C1833275, MONDO:0010938, OMIM 600802.

Allele frequency attached by ClinVar (database versions not stated): TOPMed 0.00001; gnomAD exomes 0.00002 and 0.00004; ExAC 0.00004; 1000 Genomes Project 30x 0.00016; 1000 Genomes Project 0.00020.
gnomAD v4.1: 33 of 1,613,988 alleles (0.002%); highest among the groups gnomAD compares: Admixed American, 0.01%; no homozygotes.

Submissions (3):

Labcorp Genetics (formerly Invitae), Labcorp
Classification: Likely benign for T-B+ severe combined immunodeficiency due to JAK3 deficiency. Last evaluated: 2025-06-09. Review status: criteria provided, single submitter. Criteria: Invitae Variant Classification Sherloc (09022015). Collection method: clinical testing. Allele origin: germline.

Blueprint Genetics
Classification: Likely benign. Last evaluated: 2024-03-26. Review status: criteria provided, single submitter. Criteria: ACMG Guidelines, 2015. Collection method: clinical testing. Allele origin: germline.

GeneDx
Classification: Likely benign. Last evaluated: 2016-09-15. Review status: criteria provided, single submitter. Criteria: GeneDx Variant Classification (06012015). Collection method: clinical testing. Allele origin: germline. Affected: yes.
Comment: This variant is considered likely benign or benign based on one or more of the following criteria: it is a conservative change, it occurs at a poorly conserved position in the protein, it is predicted to be benign by multiple in silico algorithms, and/or has population frequency not consistent with disease.